The following is an entry in ClinVar:

NM_004104.5(FASN):c.4193C>G (p.Ser1398Cys)

Gene: FASN (fatty acid synthase; minus strand). Cytogenetic location: 17q25.3.
Variant type: single nucleotide variant.
Coding change: c.4193C>G on transcript NM_004104.5 (MANE Select); coding-DNA position 4193, C replaced by G.
Protein change: p.Ser1398Cys; replaces serine 1398 with cysteine.
Molecular consequence: missense variant.
Genome position (GRCh38, 1-based): chr17:82,085,332, G>C on the plus strand (C>G on the coding strand, the complement: FASN is on the minus strand). VCF-style: chr17-82085332-G-C. GRCh37 (hg19) VCF-style: chr17-80043208-G-C.
Other names: short protein forms S1398C.
Identifiers: ClinVar variation 2749567 (VCV002749567.3), dbSNP rs2509834516, ClinGen allele CA401548578.
Genomic context (GRCh38, chr17:82,085,332, plus strand): 5'-TCCACCGGCAGGAAGATGGGGCTGTCCTGCGGGGTGGGCCGGCGGCACAGGAAGAGCGTG[G>C]AGCCGTAGAAGGACTTCTTCAGGCCCACCAGGCGCAGCGACACCCTGGAGAAGAGGCTCT-3'
Protein context (NP_004095.4, residues 1388-1408): LVGLKKSFYG[Ser1398Cys]TLFLCRRPTP

ClinVar aggregate classification (germline): Uncertain significance (1 of 4 stars; one submission).

Conditions:
Epileptic encephalopathy. Identifiers: MedGen C0543888, HP:0200134.

Submission:

Labcorp Genetics (formerly Invitae), Labcorp
Classification: Uncertain significance for Epileptic encephalopathy. Last evaluated: 2025-03-03. Review status: criteria provided, single submitter. Criteria: Invitae Variant Classification Sherloc (09022015). Collection method: clinical testing. Allele origin: germline.
Comment: This sequence change replaces serine, which is neutral and polar, with cysteine, which is neutral and slightly polar, at codon 1398 of the FASN protein (p.Ser1398Cys). This variant is not present in population databases (gnomAD no frequency). This variant has not been reported in the literature in individuals affected with FASN-related conditions. ClinVar contains an entry for this variant (Variation ID: 2749567). An algorithm developed to predict the effect of missense changes on protein structure and function (PolyPhen-2) suggests that this variant is likely to be disruptive. In summary, the available evidence is currently insufficient to determine the role of this variant in disease. Therefore, it has been classified as a Variant of Uncertain Significance.